The following is an entry in ClinVar:

ClinVar aggregate classification (germline): Uncertain significance (1 of 4 stars; one submission).

Submission:

ARUP Laboratories, Molecular Genetics and Genomics, ARUP Laboratories
Classification: Uncertain significance. Last evaluated: 2018-11-14. Review status: criteria provided, single submitter. Criteria: ARUP Molecular Germline Variant Investigation Process. Collection method: clinical testing. Allele origin: germline.
Comment: The SPTB c.901_903del; p.Glu301del variant, to our knowledge, is not reported in the medical literature or gene specific databases. This variant is absent from general population databases (1000 Genomes Project, Exome Variant Server, and Genome Aggregation Database), indicating it is not a common polymorphism. This variant deletes a single glutamate residue leaving the rest of the protein in-frame. Given the lack of clinical and functional data, the significance of this variant is uncertain at this time.

NM_001355436.2(SPTB):c.901_903del (p.Glu301del)

Gene: SPTB (spectrin beta, erythrocytic; minus strand). Cytogenetic location: 14q23.3.
Variant type: Deletion.
Coding change: c.901_903del on transcript NM_001355436.2 (MANE Select); coding-DNA positions 901 to 903, 3 bases deleted (GAG; older notation c.901_903delGAG).
Protein change: p.Glu301del; deletes glutamic acid 301.
Molecular consequence: inframe deletion.
Genome position (GRCh38, 1-based): chr14:64,799,908-64,799,910, CTC deleted on the plus strand (GAG on the coding strand, the reverse complement: SPTB is on the minus strand). VCF-style (leftmost placement, unchanged base first): chr14-64799907-TCTC-T. GRCh37 (hg19) VCF-style: chr14-65266625-TCTC-T.
Other names: c.901_903del, p.Glu301del (NM_001024858.4, NM_001355437.2); short protein forms E301del.
Identifiers: ClinVar variation 811175 (VCV000811175.8), dbSNP rs1594790255, ClinGen allele CA915948667.